The following is an entry in ClinVar:

ClinVar aggregate classification (germline): Uncertain significance (1 of 4 stars; one submission).

Conditions:
Congenital glucose-galactose malabsorption (GGM). Also called: DIARRHEA 16; MONOSACCHARIDE MALABSORPTION. Identifiers: Orphanet 35710, MedGen C0268186, MONDO:0011731, OMIM 606824.

Allele frequency attached by ClinVar (database versions not stated): gnomAD exomes below 0.00001; TOPMed below 0.00001.
gnomAD v4.1: 2 of 1,613,808 alleles (0.00012%); highest among the groups gnomAD compares: Non-Finnish European, 0.00017%; no homozygotes.

Submission:

Labcorp Genetics (formerly Invitae), Labcorp
Classification: Uncertain significance for Congenital glucose-galactose malabsorption. Last evaluated: 2022-04-03. Review status: criteria provided, single submitter. Criteria: Invitae Variant Classification Sherloc (09022015). Collection method: clinical testing. Allele origin: germline.
Comment: This sequence change replaces glycine, which is neutral and non-polar, with arginine, which is basic and polar, at codon 89 of the SLC5A1 protein (p.Gly89Arg). This variant is not present in population databases (gnomAD no frequency). This missense change has been observed in individual(s) with congenital glucose-galactose malabsorption (PMID: 28753187). Algorithms developed to predict the effect of missense changes on protein structure and function (SIFT, PolyPhen-2, Align-GVGD) all suggest that this variant is likely to be disruptive. In summary, the available evidence is currently insufficient to determine the role of this variant in disease. Therefore, it has been classified as a Variant of Uncertain Significance.

Literature cited by the submitters: PubMed 28753187.

NM_000343.4(SLC5A1):c.265G>A (p.Gly89Arg)

Gene: SLC5A1 (solute carrier family 5 member 1; plus strand). Cytogenetic location: 22q12.3.
Variant type: single nucleotide variant.
Coding change: c.265G>A on transcript NM_000343.4 (MANE Select); coding-DNA position 265, G replaced by A.
Protein change: p.Gly89Arg; replaces glycine 89 with arginine.
Molecular consequence: missense variant. On other transcripts: 5 prime UTR variant (1).
Genome position (GRCh38, 1-based): chr22:32,066,992, G>A. VCF-style: chr22-32066992-G-A. GRCh37 (hg19) VCF-style: chr22-32462979-G-A.
Other names: c.-117G>A (NM_001256314.2); short protein forms G89R.
Identifiers: ClinVar variation 2152332 (VCV002152332.1), dbSNP rs1172889016, ClinGen allele CA411314050.